The following is an entry in ClinVar:

ClinVar aggregate classification (germline): Uncertain significance. Review status: reviewed by expert panel (3 of 4 stars). 2 submissions from 2 submitters: Uncertain significance (1). 1 of the submissions does not count toward it. Last evaluated 2022-07-06.

Conditions:
Hereditary thrombocytopenia and hematological cancer predisposition syndrome associated with RUNX1. Also called: Familial Platelet Disorder with Propensity to Acute Myelogenous Leukemia; Familial thrombocytopenia with propensity to acute myelogenous leukemia; PLATELET DISORDER, ASPIRIN-LIKE; RUNX1 Familial Platelet Disorder with Associated Myeloid Malignancies. Identifiers: Orphanet 71290, MedGen C1832388, MeSH C563324, MONDO:0100083, OMIM 601399.
Hereditary thrombocytopenia and hematologic cancer predisposition syndrome. Identifiers: Orphanet 71290, MedGen CN281654, MONDO:0011071.

Submissions (2):

ClinGen Myeloid Malignancy Variant Curation Expert Panel
Classification: Uncertain significance for Hereditary thrombocytopenia and hematologic cancer predisposition syndrome. Last evaluated: 2022-07-06. Review status: reviewed by expert panel. Criteria: ClinGen MyeloMalig ACMG Specifications v2. Collection method: curation. Allele origin: germline. Inheritance: Autosomal dominant inheritance.
Comment: NM_001754.5(RUNX1):c.447A>C (p.Ala149=) is a synonymous variant. No REVEL score because a synonymous variant and SpliceAI is ≤0.20 (BP4). This variant is completely absent from all population databases with at least 20x coverage for RUNX1 (PM2_supporting). In summary, this variant meets the criteria to be classified as a variant of Uncertain significance - insufficient evidence. ACMG/AMP criteria applied, as specified by the Myeloid Malignancy Variant Curation Expert Panel for RUNX1: BP4 and PM2_supporting.

Labcorp Genetics (formerly Invitae), Labcorp
Classification: Likely benign for Hereditary thrombocytopenia and hematological cancer predisposition syndrome associated with RUNX1. Last evaluated: 2019-02-28. Review status: criteria provided, single submitter. Criteria: Invitae Variant Classification Sherloc (09022015). Collection method: clinical testing. Allele origin: germline. Not counted in ClinVar's aggregate classification.

NM_001754.5(RUNX1):c.447A>C (p.Ala149=)

Genes: RUNX1 (RUNX family transcription factor 1; minus strand), RUNX1-AS1 (RUNX1 antisense RNA 1; plus strand). Cytogenetic location: 21q22.12.
Variant type: single nucleotide variant.
Coding change: c.447A>C on transcript NM_001754.5 (MANE Select); coding-DNA position 447, A replaced by C.
Protein change: p.Ala149=; no amino-acid change (alanine 149 retained).
Molecular consequence: synonymous variant.
Genome position (GRCh38, 1-based): chr21:34,880,618, T>G on the plus strand (A>C on the coding strand, the complement: RUNX1 is on the minus strand). VCF-style: chr21-34880618-T-G. GRCh37 (hg19) VCF-style: chr21-36252915-T-G.
Other names: NM_001754.5(RUNX1):c.447A>C; p.Ala149=; c.366A>C, p.Ala122= (NM_001001890.3, NM_001122607.2).
Identifiers: ClinVar variation 1142684 (VCV001142684.10), dbSNP rs1383915216, ClinGen allele CA512318720.
Genomic context (GRCh38, chr21:34,880,618, plus strand): 5'-TCTTCCACTTCGACCGACAAACCTGAGGTCATTAAATCTTGCAACCTGGTTCTTCATGGC[T>G]GCGGTAGCATTTCTCAGCTCAGCCGAGTAGTTTTCATCATTGCCAGCCATCACAGTGACC-3'
Protein context (NP_001745.2, residues 139-159): NYSAELRNAT[Ala149=]AMKNQVARFN